The following is an entry in ClinVar:

NM_015178.3(RHOBTB2):c.180T>G (p.Arg60=)

Gene: RHOBTB2 (Rho related BTB domain containing 2; plus strand). Cytogenetic location: 8p21.3.
Variant type: single nucleotide variant.
Coding change: c.180T>G on transcript NM_015178.3 (MANE Select); coding-DNA position 180, T replaced by G.
Protein change: p.Arg60=; no amino-acid change (arginine 60 retained).
Molecular consequence: synonymous variant.
Genome position (GRCh38, 1-based): chr8:23,004,614, T>G. VCF-style: chr8-23004614-T-G. GRCh37 (hg19) VCF-style: chr8-22862127-T-G.
Other names: c.246T>G, p.Arg82= (NM_001160036.2); c.201T>G, p.Arg67= (NM_001160037.2); c.180T>G, p.Arg60= (NM_001374791.1).
Identifiers: ClinVar variation 4872794 (VCV004872794.2).

ClinVar aggregate classification (germline): Likely benign (1 of 4 stars; one submission).

Submission:

CeGaT Center for Human Genetics Tuebingen
Classification: Likely benign. Last evaluated: 2026-05-01. Review status: criteria provided, single submitter. Criteria: CeGaT Center For Human Genetics Tuebingen Variant Classification Criteria Version 2. Collection method: clinical testing. Allele origin: germline. Affected: yes. Observed: 1 variant allele.
Comment: RHOBTB2: PM2:Supporting, BP4, BP7